The following is an entry in ClinVar:

NM_004453.4(ETFDH):c.727A>G (p.Ile243Val)

Gene: ETFDH (electron transfer flavoprotein dehydrogenase; plus strand). Cytogenetic location: 4q32.1.
Variant type: single nucleotide variant.
Coding change: c.727A>G on transcript NM_004453.4 (MANE Select); coding-DNA position 727, A replaced by G.
Protein change: p.Ile243Val; replaces isoleucine 243 with valine.
Molecular consequence: missense variant.
Genome position (GRCh38, 1-based): chr4:158,695,539, A>G. VCF-style: chr4-158695539-A-G. GRCh37 (hg19) VCF-style: chr4-159616691-A-G.
Other names: c.586A>G, p.Ile196Val (NM_001281737.2); c.544A>G, p.Ile182Val (NM_001281738.1); short protein forms I182V, I196V, I243V.
Identifiers: ClinVar variation 4737044 (VCV004737044.1).

ClinVar aggregate classification (germline): Uncertain significance (1 of 4 stars; one submission).

Conditions:
Multiple acyl-CoA dehydrogenase deficiency (MADD). Also called: Glutaric aciduria, type 2; ETHYLMALONIC-ADIPICACIDURIA; GA II; Glutaric acidemia type II; GA 2; Glutaric Acidemia type 2. Identifiers: Orphanet 26791, MedGen C0268596, MONDO:0009282, OMIM 231680.

Submission:

Labcorp Genetics (formerly Invitae), Labcorp
Classification: Uncertain significance for Multiple acyl-CoA dehydrogenase deficiency. Last evaluated: 2025-06-09. Review status: criteria provided, single submitter. Criteria: Invitae Variant Classification Sherloc (09022015). Collection method: clinical testing. Allele origin: germline.
Comment: This sequence change replaces isoleucine, which is neutral and non-polar, with valine, which is neutral and non-polar, at codon 243 of the ETFDH protein (p.Ile243Val). This variant is not present in population databases (gnomAD no frequency). This variant has not been reported in the literature in individuals affected with ETFDH-related conditions. Invitae Evidence Modeling of protein sequence and biophysical properties (such as structural, functional, and spatial information, amino acid conservation, physicochemical variation, residue mobility, and thermodynamic stability) indicates that this missense variant is not expected to disrupt ETFDH protein function with a negative predictive value of 80%. In summary, the available evidence is currently insufficient to determine the role of this variant in disease. Therefore, it has been classified as a Variant of Uncertain Significance.